The following is an entry in ClinVar:

NM_014264.5(PLK4):c.2414+6T>C

Gene: PLK4 (polo like kinase 4; plus strand). Cytogenetic location: 4q28.1.
Variant type: single nucleotide variant.
Coding change: c.2414+6T>C on transcript NM_014264.5 (MANE Select); 6 bases into the intron after coding-DNA position 2414, T replaced by C.
Molecular consequence: intron variant.
Genome position (GRCh38, 1-based): chr4:127,893,610, T>C. VCF-style: chr4-127893610-T-C. GRCh37 (hg19) VCF-style: chr4-128814765-T-C.
Other names: c.2318+6T>C (NM_001190799.2); c.2291+6T>C (NM_001190801.2).
Identifiers: ClinVar variation 2024420 (VCV002024420.4), dbSNP rs2546023237, ClinGen allele CA2580071507.

ClinVar aggregate classification (germline): Uncertain significance (1 of 4 stars; one submission).

Submission:

Labcorp Genetics (formerly Invitae), Labcorp
Classification: Uncertain significance. Last evaluated: 2022-08-17. Review status: criteria provided, single submitter. Criteria: Invitae Variant Classification Sherloc (09022015). Collection method: clinical testing. Allele origin: germline.
Comment: Variants that disrupt the consensus splice site are a relatively common cause of aberrant splicing (PMID: 17576681, 9536098). Algorithms developed to predict the effect of sequence changes on RNA splicing suggest that this variant is not likely to affect RNA splicing. In summary, the available evidence is currently insufficient to determine the role of this variant in disease. Therefore, it has been classified as a Variant of Uncertain Significance. This variant has not been reported in the literature in individuals affected with PLK4-related conditions. This variant is not present in population databases (gnomAD no frequency). This sequence change falls in intron 12 of the PLK4 gene. It does not directly change the encoded amino acid sequence of the PLK4 protein. It affects a nucleotide within the consensus splice site.

Literature cited by the submitters: PubMed 17576681; PubMed 9536098.